The following is an entry in ClinVar:

ClinVar aggregate classification (germline): Likely benign. Review status: criteria provided, multiple submitters, no conflicts (2 of 4 stars). 5 submissions from 4 submitters: Likely benign (5). Last evaluated 2026-01-28.

Conditions:
Usher syndrome type 2A. Also called: USHER SYNDROME, TYPE IIA; RETINAL DISEASE IN USHER SYNDROME TYPE IIA, MODIFIER OF. Identifiers: Orphanet 231178, Orphanet 886, MedGen C1848634, MONDO:0010169, OMIM 276901.
Retinitis pigmentosa 39 (RP39). Identifiers: Orphanet 791, MedGen C3151138, MONDO:0013436, OMIM 613809.

Allele frequency attached by ClinVar (database versions not stated): ESP Exome Variant Server 0.00008; TOPMed 0.00009; gnomAD 0.00011 and 0.00013; gnomAD exomes 0.00014 and 0.00041; ExAC 0.00016.
gnomAD v4.1: 611 of 1,614,016 alleles (0.038%); highest among the groups gnomAD compares: South Asian, 0.076%; 1 homozygote.

Submissions (5):

Labcorp Genetics (formerly Invitae), Labcorp
Classification: Likely benign. Last evaluated: 2026-01-28. Review status: criteria provided, single submitter. Criteria: Invitae Variant Classification Sherloc (09022015). Collection method: clinical testing. Allele origin: germline.

Blueprint Genetics
Classification: Likely benign. Last evaluated: 2024-07-15. Review status: criteria provided, single submitter. Criteria: ACMG Guidelines, 2015. Collection method: clinical testing. Allele origin: germline.

Genome-Nilou Lab
Classification: Likely benign for Retinitis pigmentosa 39. Last evaluated: 2023-11-04. Review status: criteria provided, single submitter. Criteria: ACMG Guidelines, 2015. Collection method: clinical testing. Allele origin: germline. Affected: no.

Genome-Nilou Lab
Classification: Likely benign for Usher syndrome type 2A. Last evaluated: 2023-11-04. Review status: criteria provided, single submitter. Criteria: ACMG Guidelines, 2015. Collection method: clinical testing. Allele origin: germline. Affected: no.

Laboratory for Molecular Medicine, Mass General Brigham Personalized Medicine
Classification: Likely benign. Last evaluated: 2017-03-28. Review status: criteria provided, single submitter. Criteria: LMM Criteria. Collection method: clinical testing. Allele origin: germline. Observed: 2 variant alleles.
Comment: p.Leu3632Leu in exon 55 of USH2A: This variant is not expected to have clinical significance because it does not alter an amino acid residue, it is not located within the splice consensus sequence, and it has been identified in 13/16512 Sou th Asian chromosomes by the Exome Aggregation Consortium (ExAC; dbSNP rs200287425)

NM_206933.4(USH2A):c.10896C>T (p.Leu3632=)

Gene: USH2A (usherin; minus strand). Cytogenetic location: 1q41.
Variant type: single nucleotide variant.
Coding change: c.10896C>T on transcript NM_206933.4 (MANE Select); coding-DNA position 10896, C replaced by T.
Protein change: p.Leu3632=; no amino-acid change (leucine 3632 retained).
Molecular consequence: synonymous variant.
Genome position (GRCh38, 1-based): chr1:215,779,886, G>A on the plus strand (C>T on the coding strand, the complement: USH2A is on the minus strand). VCF-style: chr1-215779886-G-A. GRCh37 (hg19) VCF-style: chr1-215953228-G-A.
Identifiers: ClinVar variation 179068 (VCV000179068.15), dbSNP rs200287425, ClinGen allele CA183666.